The following is an entry in ClinVar:

NM_006915.3(RP2):c.513del (p.Thr170_Trp171insTer)

Gene: RP2 (RP2 activator of ARL3 GTPase; plus strand). Cytogenetic location: Xp11.3.
Variant type: Deletion.
Coding change: c.513del on transcript NM_006915.3 (MANE Select); coding-DNA position 513, one base deleted (G; older notation c.513delG).
Protein change: p.Thr170_Trp171insTer.
Molecular consequence: nonsense.
Genome position (GRCh38, 1-based): chrX:46,853,886, G deleted; the last of 2 consecutive G bases (chrX:46,853,885-46,853,886); deleting either gives the same sequence. VCF-style (leftmost placement, unchanged base first): chrX-46853884-TG-T. GRCh37 (hg19) VCF-style: chrX-46713319-TG-T.
Identifiers: ClinVar variation 1368936 (VCV001368936.6), dbSNP rs2147081408, ClinGen allele CA2573158922.

ClinVar aggregate classification (germline): Pathogenic (1 of 4 stars; one submission).

Submission:

Labcorp Genetics (formerly Invitae), Labcorp
Classification: Pathogenic. Last evaluated: 2021-10-10. Review status: criteria provided, single submitter. Criteria: Invitae Variant Classification Sherloc (09022015). Collection method: clinical testing. Allele origin: germline.
Comment: This variant is not present in population databases (ExAC no frequency). This sequence change creates a premature translational stop signal (p.Trp171*) in the RP2 gene. It is expected to result in an absent or disrupted protein product. Loss-of-function variants in RP2 are known to be pathogenic (PMID: 11992260, 20625056). For these reasons, this variant has been classified as Pathogenic. This variant has not been reported in the literature in individuals affected with RP2-related conditions.

Literature cited by the submitters: PubMed 11992260; PubMed 20625056.